The following is an entry in ClinVar:

ClinVar aggregate classification (germline): Uncertain significance (1 of 4 stars; one submission).

Conditions:
Charcot-Marie-Tooth disease type 2. Also called: Charcot-Marie-Tooth type 2. Identifiers: Orphanet 64746, MedGen C0270914, MONDO:0018993.

Allele frequency attached by ClinVar (database versions not stated): TOPMed below 0.00001; gnomAD 0.00001.
gnomAD v4.1: 2 of 1,613,670 alleles (0.00012%); highest among the groups gnomAD compares: Non-Finnish European, 0.00017%; no homozygotes.

Submission:

Labcorp Genetics (formerly Invitae), Labcorp
Classification: Uncertain significance for Charcot-Marie-Tooth disease type 2. Last evaluated: 2018-07-21. Review status: criteria provided, single submitter. Criteria: Invitae Variant Classification Sherloc (09022015). Collection method: clinical testing. Allele origin: germline.
Comment: This variant has not been reported in the literature in individuals with MED25-related disease. Algorithms developed to predict the effect of missense changes on protein structure and function are either unavailable or do not agree on the potential impact of this missense change (SIFT: "Deleterious"; PolyPhen-2: "Benign"; Align-GVGD: "Class C0"). In summary, the available evidence is currently insufficient to determine the role of this variant in disease. Therefore, it has been classified as a Variant of Uncertain Significance. This variant is not present in population databases (ExAC no frequency). This sequence change replaces asparagine with tyrosine at codon 168 of the MED25 protein (p.Asn168Tyr). The asparagine residue is weakly conserved and there is a large physicochemical difference between asparagine and tyrosine.

NM_030973.4(MED25):c.502A>T (p.Asn168Tyr)

Gene: MED25 (mediator complex subunit 25; plus strand). Cytogenetic location: 19q13.33.
Variant type: single nucleotide variant.
Coding change: c.502A>T on transcript NM_030973.4 (MANE Select); coding-DNA position 502, A replaced by T.
Protein change: p.Asn168Tyr; replaces asparagine 168 with tyrosine.
Molecular consequence: missense variant.
Genome position (GRCh38, 1-based): chr19:49,829,067, A>T. VCF-style: chr19-49829067-A-T. GRCh37 (hg19) VCF-style: chr19-50332324-A-T.
Other names: c.502A>T, p.Asn168Tyr (NM_001378355.1); short protein forms N168Y.
Identifiers: ClinVar variation 650143 (VCV000650143.6), dbSNP rs1189793403, ClinGen allele CA406912348.